The following is an entry in ClinVar:

ClinVar aggregate classification (germline): Likely pathogenic (1 of 4 stars; one submission).

Conditions:
Left ventricular noncompaction 8 (LVNC8). Identifiers: Orphanet 154, Orphanet 54260, MedGen C3809288, MONDO:0014152, OMIM 615373.

Submission:

Illumina Laboratory Services, Illumina
Classification: Likely pathogenic for Left ventricular noncompaction 8. Last evaluated: 2018-12-11. Review status: criteria provided, single submitter. Criteria: ICSLVariantClassificationCriteria RUGD 01 April 2020. Collection method: clinical testing. Allele origin: unknown.
Comment: The PRDM16 c.2134C>T p.(Gln712Ter) nonsense variant is expected to result in the loss of normal protein function through either protein truncation or nonsense-mediated mRNA decay. To our knowledge, this variant has not been reported in the peer-reviewed literature. This variant is not found the Genome Aggregation Database (version 2.1.1). The Gln712 residue lies in exon 9 where three other loss of function variants have been found either in the same exon or in preceding exons (Arndt et al. 2013; Long et al. 2017). Based on the evidence the c.2134C>T p.(Gln712Ter) variant is classified as likely pathogenic for left ventricular noncompaction cardiomyopathy.

NM_022114.4(PRDM16):c.2134C>T (p.Gln712Ter)

Gene: PRDM16 (PR/SET domain 16; plus strand). Cytogenetic location: 1p36.32.
Variant type: single nucleotide variant.
Coding change: c.2134C>T on transcript NM_022114.4 (MANE Select); coding-DNA position 2134, C replaced by T.
Protein change: p.Gln712Ter; replaces glutamine 712 with a stop codon.
Molecular consequence: nonsense.
Genome position (GRCh38, 1-based): chr1:3,412,331, C>T. VCF-style: chr1-3412331-C-T. GRCh37 (hg19) VCF-style: chr1-3328895-C-T.
Other names: c.2134C>T, p.Gln712Ter (NM_199454.3); short protein forms Q712*.
Identifiers: ClinVar variation 3062115 (VCV003062115.1), dbSNP rs2100664124, ClinGen allele CA337999746.